The following is an entry in ClinVar:

ClinVar aggregate classification (germline): Uncertain significance (1 of 4 stars; one submission).

Allele frequency attached by ClinVar (database versions not stated): ExAC 0.00001; TOPMed 0.00002.
gnomAD v4.1: 3 of 1,515,418 alleles (0.0002%); highest among the groups gnomAD compares: Admixed American, 0.0062%; no homozygotes.

Submission:

Labcorp Genetics (formerly Invitae), Labcorp
Classification: Uncertain significance. Last evaluated: 2019-02-11. Review status: criteria provided, single submitter. Criteria: Invitae Variant Classification Sherloc (09022015). Collection method: clinical testing. Allele origin: germline.
Comment: In summary, the available evidence is currently insufficient to determine the role of this variant in disease. Therefore, it has been classified as a Variant of Uncertain Significance. Algorithms developed to predict the effect of missense changes on protein structure and function do not agree on the potential impact of this missense change (SIFT: "Tolerated"; PolyPhen-2: "Possibly Damaging"; Align-GVGD: "Class C0"). This variant has not been reported in the literature in individuals with HERC2-related disease. This variant is present in population databases (rs771857121, ExAC 0.009%). This sequence change replaces histidine with glutamine at codon 4337 of the HERC2 protein (p.His4337Gln). The histidine residue is highly conserved and there is a small physicochemical difference between histidine and glutamine.

NM_004667.6(HERC2):c.13011C>A (p.His4337Gln)

Gene: HERC2 (HECT and RLD domain containing E3 ubiquitin protein ligase 2; minus strand). Cytogenetic location: 15q13.1.
Variant type: single nucleotide variant.
Coding change: c.13011C>A on transcript NM_004667.6 (MANE Select); coding-DNA position 13011, C replaced by A.
Protein change: p.His4337Gln; replaces histidine 4337 with glutamine.
Molecular consequence: missense variant.
Genome position (GRCh38, 1-based): chr15:28,124,214, G>T on the plus strand (C>A on the coding strand, the complement: HERC2 is on the minus strand). VCF-style: chr15-28124214-G-T. GRCh37 (hg19) VCF-style: chr15-28369360-G-T.
Other names: short protein forms H4337Q.
Identifiers: ClinVar variation 835566 (VCV000835566.9), dbSNP rs771857121, ClinGen allele CA7440148.